The following is an entry in ClinVar:

ClinVar aggregate classification (germline): Uncertain significance (1 of 4 stars; one submission).

gnomAD v4.1: 3 of 1,493,946 alleles (0.0002%); highest among the groups gnomAD compares: Non-Finnish European, 0.00027%; no homozygotes.

Submission:

GeneDx
Classification: Uncertain significance. Last evaluated: 2025-05-29. Review status: criteria provided, single submitter. Criteria: GeneDx Variant Classification Process June 2021. Collection method: clinical testing. Allele origin: germline. Affected: yes.
Comment: Not observed at significant frequency in large population cohorts (gnomAD); In silico analysis suggests that this missense variant does not alter protein structure/function; Has not been previously published as pathogenic or benign to our knowledge

NM_018026.4(PACS1):c.101C>A (p.Pro34Gln)

Gene: PACS1 (phosphofurin acidic cluster sorting protein 1; plus strand). Cytogenetic location: 11q13.1.
Variant type: single nucleotide variant.
Coding change: c.101C>A on transcript NM_018026.4 (MANE Select); coding-DNA position 101, C replaced by A.
Protein change: p.Pro34Gln; replaces proline 34 with glutamine.
Molecular consequence: missense variant.
Genome position (GRCh38, 1-based): chr11:66,070,587, C>A. VCF-style: chr11-66070587-C-A. GRCh37 (hg19) VCF-style: chr11-65838058-C-A.
Other names: short protein forms P34Q.
Identifiers: ClinVar variation 4532344 (VCV004532344.1).
Genomic context (GRCh38, chr11:66,070,587, plus strand): 5'-CCGGGGGCGGCAGCGGCCAGCGGGGATCCGGGGTCGCCCAGTCCCCTCAGCAGCCGCCGC[C>A]GCAGCAGCAGCAGCAGCAGCCGCCGCAGCAGCCGACGCCCCCCAAGCTGGCCCAGGCCAC-3'
Protein context (NP_060496.2, residues 24-44): GVAQSPQQPP[Pro34Gln]QQQQQQPPQQ